The following is an entry in ClinVar:

ClinVar aggregate classification (germline): Conflicting classifications of pathogenicity. Review status: criteria provided, conflicting classifications (1 of 4 stars). 3 submissions from 3 submitters: Uncertain significance (2); Likely benign (1). Last evaluated 2026-03-27.

Conditions:
Autosomal recessive limb-girdle muscular dystrophy type 2J (LGMDR10). Also called: Limb-girdle muscular dystrophy, type 2J; MUSCULAR DYSTROPHY, LIMB-GIRDLE, AUTOSOMAL RECESSIVE 10. Identifiers: Orphanet 140922, MedGen C1837342, MONDO:0012127, OMIM 608807.
Dilated cardiomyopathy 1G (CMD1G). Identifiers: Orphanet 154, MedGen C1858763, MONDO:0011400, OMIM 604145.

Allele frequency attached by ClinVar (database versions not stated): TOPMed below 0.00001; ExAC 0.00001; gnomAD exomes 0.00001.
gnomAD v4.1: 3 of 1,613,318 alleles (0.00019%); highest among the groups gnomAD compares: Non-Finnish European, 0.00025%; no homozygotes.

Submissions (3):

Molecular Diagnostic Laboratory for Inherited Cardiovascular Disease, Montreal Heart Institute
Classification: Likely benign. Last evaluated: 2026-03-27. Review status: criteria provided, single submitter. Criteria: ACMG Guidelines, 2015. Collection method: clinical testing. Allele origin: germline. Affected: no.
Comment: BP1

Labcorp Genetics (formerly Invitae), Labcorp
Classification: Uncertain significance for Dilated cardiomyopathy 1G; Autosomal recessive limb-girdle muscular dystrophy type 2J. Last evaluated: 2016-12-20. Review status: criteria provided, single submitter. Criteria: Invitae Variant Classification Sherloc (09022015). Collection method: clinical testing. Allele origin: germline.

GeneDx
Classification: Uncertain significance. Last evaluated: 2014-06-11. Review status: criteria provided, single submitter. Criteria: GeneDx Variant Classification (06012015). Collection method: clinical testing. Allele origin: germline. Affected: yes.
Comment: Missense variants in the TTN gene are considered 'unclassified' if they are not previously reported in the literature and do not have >1% frequency in the population to be considered a polymorphism. Research indicates that truncating mutations in the TTN gene are expected to account for approximately 25% of familial and 18% of sporadic idiopathic DCM; however, truncating variants in the TTN gene have been reported in approximately 3% of reported control alleles. There has been little investigation into non-truncating variants. (Herman D et al. Truncations of titin causing dilated cardiomyopathy. N Eng J Med 366:619-628, 2012) The variant is found in CARDIOMYOPATHY panel(s).

NM_001267550.2(TTN):c.83252A>G (p.Asn27751Ser)

Genes: TTN (titin; minus strand), TTN-AS1 (TTN antisense RNA 1; plus strand). Cytogenetic location: 2q31.2.
Variant type: single nucleotide variant.
Coding change: c.83252A>G on transcript NM_001267550.2 (MANE Select); coding-DNA position 83252, A replaced by G.
Protein change: p.Asn27751Ser; replaces asparagine 27751 with serine.
Molecular consequence: missense variant.
Genome position (GRCh38, 1-based): chr2:178,562,880, T>C on the plus strand (A>G on the coding strand, the complement: TTN is on the minus strand). VCF-style: chr2-178562880-T-C. GRCh37 (hg19) VCF-style: chr2-179427607-T-C.
Other names: p.N26110S:AAT>AGT; c.78329A>G, p.Asn26110Ser (NM_001256850.1); c.56057A>G, p.Asn18686Ser (NM_003319.4); c.75548A>G, p.Asn25183Ser (NM_133378.4); c.56432A>G, p.Asn18811Ser (NM_133432.3); c.56633A>G, p.Asn18878Ser (NM_133437.4); short protein forms N26110S, N27751S, N18686S, N18811S, N18878S, N25183S.
Identifiers: ClinVar variation 202920 (VCV000202920.5), dbSNP rs775527437, ClinGen allele CA310692.
Genomic context (GRCh38, chr2:178,562,880, plus strand): 5'-ACAGGGGCACTTGGTGAGTCAAGAACTCTGACGTTAACAAAAGCTGTTTTGGAGCCACTA[T>C]TATTTTCTAATGTCAGATTATACCGACCACTGTCAAATCTGGTAACATTATCAATCACCA-3'
Protein context (NP_001254479.2, residues 27741-27761): SGRYNLTLEN[Asn27751Ser]SGSKTAFVNV